The following is an entry in ClinVar:

NM_001042492.3(NF1):c.8295_8296del (p.Leu2766fs)

Gene: NF1 (neurofibromin 1; plus strand). Cytogenetic location: 17q11.2.
Variant type: Deletion.
Coding change: c.8295_8296del on transcript NM_001042492.3 (MANE Select); coding-DNA positions 8295 to 8296, 2 bases deleted (AC; older notation c.8295_8296delAC).
Protein change: p.Leu2766fs; shifts the reading frame from leucine 2766.
Molecular consequence: frameshift variant.
Genome position (GRCh38, 1-based): chr17:31,360,621-31,360,622, AC deleted; deleting any 2 consecutive bases within chr17:31,360,620-31,360,622 gives the same sequence; the c. name uses the placement nearest the transcript's 3' end. VCF-style (leftmost placement, unchanged base first): chr17-31360619-GCA-G. GRCh37 (hg19) VCF-style: chr17-29687637-GCA-G.
Other names: c.8232_8233delAC, p.Leu2745Alafs (NM_000267.4); short protein forms L2766fs, L2745fs.
Identifiers: ClinVar variation 858470 (VCV000858470.6), dbSNP rs2070375859, ClinGen allele CA916080688.

ClinVar aggregate classification (germline): Pathogenic (1 of 4 stars; one submission).

Conditions:
Neurofibromatosis, type 1 (NF1). Also called: Neurofibromatosis, type I; VON RECKLINGHAUSEN DISEASE; Peripheral type neurofibromatosis; NEUROFIBROMATOSIS, TYPE I, SOMATIC. Identifiers: Orphanet 636, MedGen C0027831, MONDO:0018975, OMIM 162200. Disease mechanism: loss of function.

Submission:

Labcorp Genetics (formerly Invitae), Labcorp
Classification: Pathogenic for Neurofibromatosis, type 1. Last evaluated: 2019-12-05. Review status: criteria provided, single submitter. Criteria: Invitae Variant Classification Sherloc (09022015). Collection method: clinical testing. Allele origin: germline.
Comment: Loss-of-function variants in NF1 are known to be pathogenic (PMID: 10712197, 23913538). For these reasons, this variant has been classified as Pathogenic. This variant has not been reported in the literature in individuals with NF1-related conditions. This variant is not present in population databases (ExAC no frequency). This sequence change creates a premature translational stop signal (p.Leu2745Alafs*5) in the NF1 gene. It is expected to result in an absent or disrupted protein product.

Literature cited by the submitters: PubMed 10712197; PubMed 23913538.